The following is an entry in ClinVar:

NM_001365276.2(TNXB):c.4386AGA[1] (p.Glu1464del)

Gene: TNXB (tenascin XB; minus strand). Cytogenetic location: 6p21.33.
Variant type: Microsatellite.
Coding change: c.4386AGA[1] on transcript NM_001365276.2 (MANE Select); one copy of the 3-base unit AGA starting at c.4386; the reference has two copies in a row; one copy, 3 bases deleted.
Protein change: p.Glu1464del; deletes glutamic acid 1464.
Molecular consequence: inframe deletion.
Genome position (GRCh38, 1-based): chr6:32,073,937-32,073,939, TCT deleted on the plus strand (AGA on the coding strand, the reverse complement: TNXB is on the minus strand); deleting any 3 consecutive bases within chr6:32,073,937-32,073,943 gives the same sequence; the position shown is the placement nearest the transcript's 3' end. VCF-style (leftmost placement, unchanged base first): chr6-32073936-CTCT-C. GRCh37 (hg19) VCF-style: chr6-32041713-CTCT-C.
Other names: c.4386AGA[1], p.Glu1464del (NM_019105.8); short protein forms E1464del.
Identifiers: ClinVar variation 2497928 (VCV002497928.1), dbSNP rs1778930983, ClinGen allele CA1087500846.

ClinVar aggregate classification (germline): Uncertain significance (1 of 4 stars; one submission).

Submission:

GeneDx
Classification: Uncertain significance. Last evaluated: 2022-10-10. Review status: criteria provided, single submitter. Criteria: GeneDx Variant Classification Process June 2021. Collection method: clinical testing. Allele origin: germline. Affected: yes.
Comment: Has not been previously published as pathogenic or benign to our knowledge; Not observed at significant frequency in large population cohorts (gnomAD); In-frame deletion of 1 amino acid in a non-repeat region; In silico analysis supports that this variant does not alter protein structure/function